The following is an entry in ClinVar:

ClinVar aggregate classification (germline): Conflicting classifications of pathogenicity. Review status: criteria provided, conflicting classifications (1 of 4 stars). 3 submissions from 3 submitters: Uncertain significance (2); Benign (1). Last evaluated 2025-12-12.

Conditions:
Congenital contractural arachnodactyly (CCA). Also called: Arthrogryposis, distal, type 9; BEALS SYNDROME; Beals-Hecht syndrome. Identifiers: Orphanet 115, MedGen C0220668, MONDO:0007363, OMIM 121050.
Familial thoracic aortic aneurysm and aortic dissection (TAAD). Also called: Thoracic aortic aneurysms and dissections. Identifiers: Orphanet 91387, MedGen C4707243, MONDO:0019625.

Allele frequency attached by ClinVar (database versions not stated): gnomAD 0.00003 and 0.00004; gnomAD exomes 0.00004; ExAC 0.00005; TOPMed 0.00006.
gnomAD v4.1: 32 of 1,613,744 alleles (0.002%); highest among the groups gnomAD compares: Admixed American, 0.0083%; no homozygotes.

Submissions (3):

Labcorp Genetics (formerly Invitae), Labcorp
Classification: Benign for Congenital contractural arachnodactyly. Last evaluated: 2025-12-12. Review status: criteria provided, single submitter. Criteria: Invitae Variant Classification Sherloc (09022015). Collection method: clinical testing. Allele origin: germline.

Ambry Genetics
Classification: Uncertain significance for Familial thoracic aortic aneurysm and aortic dissection. Last evaluated: 2023-05-19. Review status: criteria provided, single submitter. Criteria: Ambry Variant Classification Scheme 2023. Collection method: clinical testing. Allele origin: germline.
Comment: The p.P1429L variant (also known as c.4286C>T), located in coding exon 33 of the FBN2 gene, results from a C to T substitution at nucleotide position 4286. The proline at codon 1429 is replaced by leucine, an amino acid with similar properties. This amino acid position is well conserved in available vertebrate species. In addition, the in silico prediction for this alteration is inconclusive. Since supporting evidence is limited at this time, the clinical significance of this alteration remains unclear.

GeneDx
Classification: Uncertain significance. Last evaluated: 2023-04-03. Review status: criteria provided, single submitter. Criteria: GeneDx Variant Classification Process June 2021. Collection method: clinical testing. Allele origin: germline. Affected: yes.
Comment: In silico analysis supports that this missense variant has a deleterious effect on protein structure/function; Has not been previously published as pathogenic or benign to our knowledge; Although located in a calcium-binding EGF-like domain of the FBN2 gene, it does not substitute or introduce a cysteine residue (Callewaert et al., 2009; Frederic et al., 2009)

NM_001999.4(FBN2):c.4286C>T (p.Pro1429Leu)

Gene: FBN2 (fibrillin 2; minus strand). Cytogenetic location: 5q23.3.
Variant type: single nucleotide variant.
Coding change: c.4286C>T on transcript NM_001999.4 (MANE Select); coding-DNA position 4286, C replaced by T.
Protein change: p.Pro1429Leu; replaces proline 1429 with leucine.
Molecular consequence: missense variant.
Genome position (GRCh38, 1-based): chr5:128,330,632, G>A on the plus strand (C>T on the coding strand, the complement: FBN2 is on the minus strand). VCF-style: chr5-128330632-G-A. GRCh37 (hg19) VCF-style: chr5-127666324-G-A.
Other names: short protein forms P1429L.
Identifiers: ClinVar variation 1302946 (VCV001302946.12), dbSNP rs771467729, ClinGen allele CA3395013.